The following is an entry in ClinVar:

NM_001385641.1(SAMD11):c.1332_1343dup (p.Ala445_Pro448dup)

Gene: SAMD11 (sterile alpha motif domain containing 11; plus strand). Cytogenetic location: 1p36.33.
Variant type: Duplication.
Coding change: c.1332_1343dup on transcript NM_001385641.1 (MANE Select); coding-DNA positions 1332 to 1343, 12 bases duplicated (AGCTGCCGCCCC).
Protein change: p.Ala445_Pro448dup.
Molecular consequence: inframe insertion.
Genome position (GRCh38, 1-based): chr1:941,280-941,291, AGCTGCCGCCCC duplicated; duplicating any 12 consecutive bases within chr1:941,272-941,291 gives the same sequence; the c. name uses the placement nearest the transcript's 3' end. VCF-style (leftmost placement, unchanged base first): chr1-941271-C-CGCCGCCCCAGCT. GRCh37 (hg19) VCF-style: chr1-876651-C-CGCCGCCCCAGCT.
Other names: c.1335_1346dup, p.Ala446_Pro449dup (NM_001385640.1); c.843_854dup, p.Ala282_Pro285dup (NM_152486.4).
Identifiers: ClinVar variation 1467580 (VCV001467580.3), dbSNP rs758613821, ClinGen allele CA502821.
Genomic context (GRCh38, chr1:941,271, plus strand): 5'-CCTGCCCTCCTCCACGGCAGGTCAGCGTCGGAAGCAGGGCCTGGCTCAGCACCGGGAGGG[C>CGCCGCCCCAGCT]GCCGCCCCAGCTGCCGCCCCGTCCTTCTCGGAGAGGTACTGGGGTGGCTGCCGTTCTCTG-3'

ClinVar aggregate classification (germline): Uncertain significance (1 of 4 stars; one submission).

Submission:

Labcorp Genetics (formerly Invitae), Labcorp
Classification: Uncertain significance. Last evaluated: 2022-01-03. Review status: criteria provided, single submitter. Criteria: Invitae Variant Classification Sherloc (09022015). Collection method: clinical testing. Allele origin: germline.
Comment: This variant, c.843_854dup, results in the insertion of 4 amino acid(s) of the SAMD11 protein (p.Ala282_Pro285dup), but otherwise preserves the integrity of the reading frame. This variant is present in population databases (rs758613821, gnomAD 0.004%). This variant has not been reported in the literature in individuals affected with SAMD11-related conditions. Experimental studies and prediction algorithms are not available or were not evaluated, and the functional significance of this variant is currently unknown. Algorithms developed to predict the effect of sequence changes on RNA splicing suggest that this variant may create or strengthen a splice site. In summary, the available evidence is currently insufficient to determine the role of this variant in disease. Therefore, it has been classified as a Variant of Uncertain Significance.